The following is an entry in ClinVar:

ClinVar aggregate classification (germline): Uncertain significance (1 of 4 stars; one submission).

Conditions:
Familial focal epilepsy with variable foci (FPEVF). Identifiers: Orphanet 98820, MedGen C1858477, MONDO:0020310.

Allele frequency attached by ClinVar (database versions not stated): gnomAD exomes below 0.00001 and 0.00001; gnomAD 0.00001; TOPMed 0.00001.
gnomAD v4.1: 2 of 1,605,680 alleles (0.00012%); highest among the groups gnomAD compares: East Asian, 0.0023%; no homozygotes.

Submission:

Labcorp Genetics (formerly Invitae), Labcorp
Classification: Uncertain significance for Familial focal epilepsy with variable foci. Last evaluated: 2022-02-05. Review status: criteria provided, single submitter. Criteria: Invitae Variant Classification Sherloc (09022015). Collection method: clinical testing. Allele origin: germline.
Comment: This sequence change replaces serine, which is neutral and polar, with phenylalanine, which is neutral and non-polar, at codon 1133 of the DEPDC5 protein (p.Ser1133Phe). The frequency data for this variant in the population databases is considered unreliable, as metrics indicate poor data quality at this position in the gnomAD database. This variant has not been reported in the literature in individuals affected with DEPDC5-related conditions. Algorithms developed to predict the effect of missense changes on protein structure and function are either unavailable or do not agree on the potential impact of this missense change (SIFT: "Deleterious"; PolyPhen-2: "Not Available"; Align-GVGD: "Class C0"). In summary, the available evidence is currently insufficient to determine the role of this variant in disease. Therefore, it has been classified as a Variant of Uncertain Significance.

NM_001242896.3(DEPDC5):c.3398C>T (p.Ser1133Phe)

Gene: DEPDC5 (DEP domain containing 5, GATOR1 subcomplex subunit; plus strand). Cytogenetic location: 22q12.3.
Variant type: single nucleotide variant.
Coding change: c.3398C>T on transcript NM_001242896.3 (MANE Select); coding-DNA position 3398, C replaced by T.
Protein change: p.Ser1133Phe; replaces serine 1133 with phenylalanine.
Molecular consequence: missense variant. On other transcripts: non-coding transcript variant (5).
Genome position (GRCh38, 1-based): chr22:31,870,657, C>T. VCF-style: chr22-31870657-C-T. GRCh37 (hg19) VCF-style: chr22-32266643-C-T.
Other names: c.3371C>T, p.Ser1124Phe (NM_001136029.4); c.3098C>T, p.Ser1033Phe (NM_001242897.2); c.3332C>T, p.Ser1111Phe (NM_001363852.2, NM_001364320.2); c.3164C>T, p.Ser1055Phe (NM_001363854.2, NM_001364319.2); c.3398C>T, p.Ser1133Phe (NM_001364318.2); c.3314C>T, p.Ser1105Phe (NM_001369901.1, NM_001369902.1); c.3305C>T, p.Ser1102Phe (NM_001369903.1, NM_014662.6); short protein forms S1033F, S1111F, S1124F, S1133F, S1102F, S1105F, S1055F.
Identifiers: ClinVar variation 1407176 (VCV001407176.9), dbSNP rs1199651277, ClinGen allele CA411296618.